The following is an entry in ClinVar:

NM_000528.4(MAN2B1):c.1441G>T (p.Ala481Ser)

Gene: MAN2B1 (mannosidase alpha class 2B member 1; minus strand). Cytogenetic location: 19p13.13.
Variant type: single nucleotide variant.
Coding change: c.1441G>T on transcript NM_000528.4 (MANE Select); coding-DNA position 1441, G replaced by T.
Protein change: p.Ala481Ser; replaces alanine 481 with serine.
Molecular consequence: missense variant.
Genome position (GRCh38, 1-based): chr19:12,657,035, C>A on the plus strand (G>T on the coding strand, the complement: MAN2B1 is on the minus strand). VCF-style: chr19-12657035-C-A. GRCh37 (hg19) VCF-style: chr19-12767849-C-A.
Other names: c.1438G>T, p.Ala480Ser (NM_001173498.2); short protein forms A481S, A480S.
Identifiers: ClinVar variation 93210 (VCV000093210.29), dbSNP rs34544747, ClinGen allele CA146745.

ClinVar aggregate classification (germline): Benign. Review status: criteria provided, multiple submitters, no conflicts (2 of 4 stars). 10 submissions from 10 submitters: Benign (6). 4 of the submissions do not count toward it. Last evaluated 2026-02-04.

Conditions:
Deficiency of alpha-mannosidase (MANSA). Also called: Mannosidosis, alpha-, types I and II; LYSOSOMAL ALPHA-D-MANNOSIDASE DEFICIENCY; Alpha-Mannosidosis. Identifiers: Orphanet 61, MedGen C0024748, MONDO:0009561, OMIM 248500.

Allele frequency attached by ClinVar (database versions not stated): gnomAD exomes 0.02615 and 0.01886; ExAC 0.03361; TOPMed 0.07657; 1000 Genomes Project 0.06410; 1000 Genomes Project 30x 0.06824; gnomAD 0.07202 and 0.06735; ESP Exome Variant Server 0.07389.
gnomAD v4.1: 38,427 of 1,611,712 alleles (2.4%); highest among the groups gnomAD compares: African/African-American, 20%; 1,856 homozygotes.

Submissions (10):

Labcorp Genetics (formerly Invitae), Labcorp
Classification: Benign for Deficiency of alpha-mannosidase. Last evaluated: 2026-02-04. Review status: criteria provided, single submitter. Criteria: Invitae Variant Classification Sherloc (09022015). Collection method: clinical testing. Allele origin: germline.

Genome-Nilou Lab
Classification: Benign for Deficiency of alpha-mannosidase. Last evaluated: 2021-06-10. Review status: criteria provided, single submitter. Criteria: ACMG Guidelines, 2015. Collection method: clinical testing. Allele origin: germline. Affected: no.

GeneDx
Classification: Benign. Last evaluated: 2018-06-13. Review status: criteria provided, single submitter. Criteria: GeneDx Variant Classification (06012015). Collection method: clinical testing. Allele origin: germline. Affected: yes.
Comment: This variant is considered likely benign or benign based on one or more of the following criteria: it is a conservative change, it occurs at a poorly conserved position in the protein, it is predicted to be benign by multiple in silico algorithms, and/or has population frequency not consistent with disease.

Illumina Laboratory Services, Illumina
Classification: Benign for Deficiency of alpha-mannosidase. Last evaluated: 2018-01-13. Review status: criteria provided, single submitter. Criteria: ICSL Variant Classification Criteria 13 December 2019. Collection method: clinical testing. Allele origin: germline.
Comment: This variant was observed in the ICSL laboratory as part of a predisposition screen in an ostensibly healthy population. It had not been previously curated by ICSL or reported in the Human Gene Mutation Database (HGMD: prior to June 1st, 2018), and was therefore a candidate for classification through an automated scoring system. Utilizing variant allele frequency, disease prevalence and penetrance estimates, and inheritance mode, an automated score was calculated to assess if this variant is too frequent to cause the disease. Based on the score and internal cut-off values, a variant classified as benign is not then subjected to further curation. The score for this variant resulted in a classification of benign for this disease.

Eurofins Ntd Llc (ga)
Classification: Benign. Last evaluated: 2012-11-05. Review status: criteria provided, single submitter. Criteria: EGL Classification Definitions 2015. Collection method: clinical testing. Allele origin: germline. Observed: 4 variant alleles, 3 heterozygotes, 1 homozygote.

Breakthrough Genomics
Classification: Benign. Review status: criteria provided, single submitter. Criteria: ACMG Guidelines, 2015. Collection method: not provided. Allele origin: germline. Inheritance: Autosomal recessive inheritance. Affected: yes.

Natera, Inc.
Classification: Benign for Alpha-mannosidosis. Last evaluated: 2020-09-16. Review status: no assertion criteria provided. Collection method: clinical testing. Allele origin: germline. Not counted in ClinVar's aggregate classification.

Mayo Clinic Laboratories, Mayo Clinic
Classification: Benign. Last evaluated: 2017-06-07. Review status: no assertion criteria provided. Collection method: clinical testing. Allele origin: unknown. Not counted in ClinVar's aggregate classification.

Clinical Genetics, Academic Medical Center
Classification: Benign. Review status: no assertion criteria provided. Collection method: clinical testing. Allele origin: germline. Affected: yes. Study: VKGL Data-share Consensus. Not counted in ClinVar's aggregate classification.

Laboratory of Diagnostic Genome Analysis, Leiden University Medical Center (LUMC)
Classification: Likely benign. Review status: no assertion criteria provided. Collection method: clinical testing. Allele origin: germline. Affected: yes. Study: VKGL Data-share Consensus. Not counted in ClinVar's aggregate classification.